The following is an entry in ClinVar:

ClinVar aggregate classification (germline): Uncertain significance (1 of 4 stars; one submission).

Conditions:
Mitochondrial DNA depletion syndrome 9 (MTDPS9). Also called: SUCLG1-Related Mitochondrial DNA Depletion Syndrome, Encephalomyopathic Form with Methylmalonic Aciduria. Identifiers: Orphanet 17, MedGen C3151476, MONDO:0009504, OMIM 245400.

Allele frequency attached by ClinVar (database versions not stated): TOPMed below 0.00001.

Submission:

Labcorp Genetics (formerly Invitae), Labcorp
Classification: Uncertain significance for Mitochondrial DNA depletion syndrome 9. Last evaluated: 2023-08-04. Review status: criteria provided, single submitter. Criteria: Invitae Variant Classification Sherloc (09022015). Collection method: clinical testing. Allele origin: germline.
Comment: This sequence change replaces alanine, which is neutral and non-polar, with valine, which is neutral and non-polar, at codon 22 of the SUCLG1 protein (p.Ala22Val). In summary, the available evidence is currently insufficient to determine the role of this variant in disease. Therefore, it has been classified as a Variant of Uncertain Significance. Algorithms developed to predict the effect of missense changes on protein structure and function output the following: SIFT: "Not Available"; PolyPhen-2: "Not Available"; Align-GVGD: "Not Available". The valine amino acid residue is found in multiple mammalian species, which suggests that this missense change does not adversely affect protein function. ClinVar contains an entry for this variant (Variation ID: 2043031). This variant has not been reported in the literature in individuals affected with SUCLG1-related conditions. This variant is not present in population databases (gnomAD no frequency).

NM_003849.4(SUCLG1):c.65C>T (p.Ala22Val)

Gene: SUCLG1 (succinate-CoA ligase GDP/ADP-forming subunit alpha; minus strand). Cytogenetic location: 2p11.2.
Variant type: single nucleotide variant.
Coding change: c.65C>T on transcript NM_003849.4 (MANE Select); coding-DNA position 65, C replaced by T.
Protein change: p.Ala22Val; replaces alanine 22 with valine.
Molecular consequence: missense variant.
Genome position (GRCh38, 1-based): chr2:84,459,205, G>A on the plus strand (C>T on the coding strand, the complement: SUCLG1 is on the minus strand). VCF-style: chr2-84459205-G-A. GRCh37 (hg19) VCF-style: chr2-84686329-G-A.
Other names: short protein forms A22V.
Identifiers: ClinVar variation 2043031 (VCV002043031.4), dbSNP rs1673107821, ClinGen allele CA347518505.